The following is an entry in ClinVar:

NM_000551.4(VHL):c.284C>T (p.Pro95Leu)

Gene: VHL (von Hippel-Lindau tumor suppressor; plus strand). Cytogenetic location: 3p25.3.
Variant type: single nucleotide variant.
Coding change: c.284C>T on transcript NM_000551.4 (MANE Select); coding-DNA position 284, C replaced by T.
Protein change: p.Pro95Leu; replaces proline 95 with leucine.
Molecular consequence: missense variant.
Genome position (GRCh38, 1-based): chr3:10,142,131, C>T. VCF-style: chr3-10142131-C-T. GRCh37 (hg19) VCF-style: chr3-10183815-C-T.
Other names: c.284C>T, p.Pro95Leu (NM_001354723.2, NM_198156.3); short protein forms P95L.
Identifiers: ClinVar variation 576054 (VCV000576054.16), dbSNP rs964996401, ClinGen allele CA70046204.
Genomic context (GRCh38, chr3:10,142,131, plus strand): 5'-TCTTCTGCAATCGCAGTCCGCGCGTCGTGCTGCCCGTATGGCTCAACTTCGACGGCGAGC[C>T]GCAGCCCTACCCAACGCTGCCGCCTGGCACGGGCCGCCGCATCCACAGCTACCGAGGTAC-3'
Protein context (NP_000542.1, residues 85-105): LPVWLNFDGE[Pro95Leu]QPYPTLPPGT

ClinVar aggregate classification (germline): Conflicting classifications of pathogenicity. Review status: criteria provided, conflicting classifications (1 of 4 stars). 4 submissions from 4 submitters: Uncertain significance (3); Likely benign (1). Last evaluated 2026-07-07.

Conditions:
Chuvash polycythemia. Also called: POLYCYTHEMIA, VHL-DEPENDENT. Identifiers: Orphanet 238557, MedGen C1837915, MONDO:0009892, OMIM 263400.
Von Hippel-Lindau syndrome (VHLS). Also called: von Hippel–Lindau syndrome; VHL syndrome; Von Hippel-Lindau. Identifiers: Orphanet 892, MedGen C0019562, MONDO:0008667, OMIM 193300. Disease mechanism: loss of function.
Nonpapillary renal cell carcinoma. Identifiers: Orphanet 422526, MedGen CN074294, MONDO:0007763, OMIM 144700.
Pheochromocytoma. Also called: MAX-Related Hereditary Paraganglioma-Pheochromocytoma Syndrome. Identifiers: Orphanet 29072, MedGen C0031511, MONDO:0008233, OMIM 171300, HP:0002666.
Hereditary cancer-predisposing syndrome. Also called: Neoplastic Syndromes, Hereditary; Hereditary Cancer Syndrome; Hereditary neoplastic syndrome; Tumor predisposition. Identifiers: Orphanet 140162, MedGen C0027672, MeSH D009386, MONDO:0015356.

Allele frequency attached by ClinVar (database versions not stated): TOPMed below 0.00001; gnomAD 0.00001.

Submissions (4):

Ambry Genetics
Classification: Likely benign for Hereditary cancer-predisposing syndrome. Last evaluated: 2026-07-07. Review status: criteria provided, single submitter. Criteria: Ambry Variant Classification Scheme 2023. Collection method: clinical testing. Allele origin: germline.

Labcorp Genetics (formerly Invitae), Labcorp
Classification: Uncertain significance for Von Hippel-Lindau syndrome; Chuvash polycythemia. Last evaluated: 2025-11-01. Review status: criteria provided, single submitter. Criteria: Invitae Variant Classification Sherloc (09022015). Collection method: clinical testing. Allele origin: germline.
Comment: This sequence change replaces proline, which is neutral and non-polar, with leucine, which is neutral and non-polar, at codon 95 of the VHL protein (p.Pro95Leu). This variant is not present in population databases (gnomAD no frequency). This missense change has been observed in individual(s) with breast cancer (PMID: 35534704). ClinVar contains an entry for this variant (Variation ID: 576054). Invitae Evidence Modeling of protein sequence and biophysical properties (such as structural, functional, and spatial information, amino acid conservation, physicochemical variation, residue mobility, and thermodynamic stability) indicates that this missense variant is expected to disrupt VHL protein function with a positive predictive value of 95%. In summary, the available evidence is currently insufficient to determine the role of this variant in disease. Therefore, it has been classified as a Variant of Uncertain Significance.

Fulgent Genetics
Classification: Uncertain significance for Nonpapillary renal cell carcinoma; Pheochromocytoma; Von Hippel-Lindau syndrome; Chuvash polycythemia. Last evaluated: 2024-06-24. Review status: criteria provided, single submitter. Criteria: ACMG Guidelines, 2015. Collection method: clinical testing. Allele origin: germline.

GeneDx
Classification: Uncertain significance. Last evaluated: 2023-01-17. Review status: criteria provided, single submitter. Criteria: GeneDx Variant Classification Process June 2021. Collection method: clinical testing. Allele origin: germline. Affected: yes.
Comment: Not observed at significant frequency in large population cohorts (gnomAD); In silico analysis supports that this missense variant has a deleterious effect on protein structure/function; Has not been previously published as pathogenic or benign to our knowledge; Also known as c.497C>T; p.(P166L) or p.(P136L)

Literature cited by the submitters: PubMed 38969834 (cited by Ambry Genetics); PubMed 35534704 (cited by Labcorp Genetics (formerly Invitae), Labcorp).